The following is an entry in ClinVar:

ClinVar aggregate classification (germline): Uncertain significance. Review status: criteria provided, multiple submitters, no conflicts (2 of 4 stars). 3 submissions from 3 submitters: Uncertain significance (2). 1 of the submissions does not count toward it. Last evaluated 2025-10-31.

Conditions:
Usher syndrome type 2A. Also called: USHER SYNDROME, TYPE IIA; RETINAL DISEASE IN USHER SYNDROME TYPE IIA, MODIFIER OF. Identifiers: Orphanet 231178, Orphanet 886, MedGen C1848634, MONDO:0010169, OMIM 276901.
USH2A-related disorder. Also called: USH2A-related condition; USH2A-related disorders. Identifiers: MedGen CN239332.

Allele frequency attached by ClinVar (database versions not stated): TOPMed 0.00002; gnomAD exomes 0.00005; ExAC 0.00006.
gnomAD v4.1: 17 of 1,614,098 alleles (0.0011%); highest among the groups gnomAD compares: South Asian, 0.0099%; no homozygotes.

Submissions (3):

Labcorp Genetics (formerly Invitae), Labcorp
Classification: Uncertain significance. Last evaluated: 2025-10-31. Review status: criteria provided, single submitter. Criteria: Invitae Variant Classification Sherloc (09022015). Collection method: clinical testing. Allele origin: germline.
Comment: This sequence change replaces arginine, which is basic and polar, with tryptophan, which is neutral and slightly polar, at codon 3941 of the USH2A protein (p.Arg3941Trp). This variant is present in population databases (rs749942414, gnomAD 0.03%). This missense change has been observed in individual(s) with clinical features of USH2A-related conditions (internal data). ClinVar contains an entry for this variant (Variation ID: 1006516). Invitae Evidence Modeling of protein sequence and biophysical properties (such as structural, functional, and spatial information, amino acid conservation, physicochemical variation, residue mobility, and thermodynamic stability) indicates that this missense variant is not expected to disrupt USH2A protein function with a negative predictive value of 95%. In summary, the available evidence is currently insufficient to determine the role of this variant in disease. Therefore, it has been classified as a Variant of Uncertain Significance.

PreventionGenetics, part of Exact Sciences
Classification: Uncertain significance for USH2A-related condition. Last evaluated: 2025-06-01. Review status: criteria provided, single submitter. Criteria: ACMG Guidelines, 2015. Collection method: clinical testing. Allele origin: germline.
Comment: The USH2A c.11821C>T variant is predicted to result in the amino acid substitution p.Arg3941Trp. To our knowledge, this variant has not been reported in the literature. This variant is reported in 0.033% of alleles in individuals of East Asian descent in gnomAD. At this time, the clinical significance of this variant is uncertain due to the absence of conclusive functional and genetic evidence.

Natera, Inc.
Classification: Uncertain significance for Usher syndrome type 2A. Last evaluated: 2020-02-10. Review status: no assertion criteria provided. Collection method: clinical testing. Allele origin: germline. Not counted in ClinVar's aggregate classification.

NM_206933.4(USH2A):c.11821C>T (p.Arg3941Trp)

Gene: USH2A (usherin; minus strand). Cytogenetic location: 1q41.
Variant type: single nucleotide variant.
Coding change: c.11821C>T on transcript NM_206933.4 (MANE Select); coding-DNA position 11821, C replaced by T.
Protein change: p.Arg3941Trp; replaces arginine 3941 with tryptophan.
Molecular consequence: missense variant.
Genome position (GRCh38, 1-based): chr1:215,728,275, G>A on the plus strand (C>T on the coding strand, the complement: USH2A is on the minus strand). VCF-style: chr1-215728275-G-A. GRCh37 (hg19) VCF-style: chr1-215901617-G-A.
Other names: c.11821C>T (NM_206933.2); short protein forms R3941W.
Identifiers: ClinVar variation 1006516 (VCV001006516.5), dbSNP rs749942414, ClinGen allele CA1393614.
Genomic context (GRCh38, chr1:215,728,275, plus strand): 5'-GAGTTTGTGTTAATGACCACAGACTCTCCACTGAACCCTTGGAGTTACAGGCTCTGACCC[G>A]ATATTCGTAGAGTGTGAAAGGCCTCAGGGTGTCTCCTTCATCCATAAATTCAAGGGCTCC-3'
Protein context (NP_996816.3, residues 3931-3951): TLRPFTLYEY[Arg3941Trp]VRACNSKGSV